The following is an entry in ClinVar:

ClinVar aggregate classification (germline): Conflicting classifications of pathogenicity. Review status: criteria provided, conflicting classifications (1 of 4 stars). 2 submissions from 2 submitters: Pathogenic (1); Uncertain significance (1). Last evaluated 2023-07-14.

Conditions:
Hereditary hemorrhagic telangiectasia (HHT). Also called: ORW DISEASE; Osler Weber Rendu syndrome; OSLER-RENDU-WEBER DISEASE; Osler hemorrhagic telangiectasia syndrome. Identifiers: Orphanet 774, MedGen C0039445, MONDO:0019180. Disease mechanism: loss of function.
Telangiectasia, hereditary hemorrhagic, type 1 (HHT1). Also called: Osler Weber Rendu syndrome type 1; ENG-Related Hereditary Hemorrhagic Telangiectasia. Identifiers: Orphanet 774, MedGen C4551861, MONDO:0008535, OMIM 187300. Disease mechanism: loss of function.

Submissions (2):

Labcorp Genetics (formerly Invitae), Labcorp
Classification: Pathogenic for Hereditary hemorrhagic telangiectasia. Last evaluated: 2023-07-14. Review status: criteria provided, single submitter. Criteria: Invitae Variant Classification Sherloc (09022015). Collection method: clinical testing. Allele origin: germline.
Comment: For these reasons, this variant has been classified as Pathogenic. This variant disrupts a region of the ENG protein in which other variant(s) (p.Val236Glu) have been determined to be pathogenic (Invitae). This suggests that this is a clinically significant region of the protein, and that variants that disrupt it are likely to be disease-causing. ClinVar contains an entry for this variant (Variation ID: 811377). This variant has not been reported in the literature in individuals affected with ENG-related conditions. This variant is not present in population databases (gnomAD no frequency). This variant, c.704_709del, results in the deletion of 2 amino acid(s) of the ENG protein (p.Thr235_Val236del), but otherwise preserves the integrity of the reading frame.

ARUP Laboratories, Molecular Genetics and Genomics, ARUP Laboratories
Classification: Uncertain significance for Telangiectasia, hereditary hemorrhagic, type 1. Last evaluated: 2019-04-25. Review status: criteria provided, single submitter. Criteria: ARUP Molecular Germline Variant Investigation Process. Collection method: clinical testing. Allele origin: germline.
Comment: The ENG c.704_709delCGGTGA; p.Thr235_Val236del variant, to our knowledge, is not reported in the medical literature or gene specific databases. This variant is also absent from general population databases (Exome Variant Server, Genome Aggregation Database), indicating it is not a common polymorphism. This variant deletes a threonine and valine residue leaving the rest of the protein in-frame. A different in-frame deletion of the valine 236 codon (c.706_708delGTG; p.Val236del) is reported in the literature in an individual with HHT (Brakensiek 2008). However, due to limited information, the clinical significance of the p.Thr235_Val236del variant is uncertain at this time. REFERENCES Brakensiek K et al. Detection of a significant association between mutations in the ACVRL1 gene and hepatic involvement in German patients with hereditary haemorrhagic telangiectasia. Clin Genet. 2008 Aug;74(2):171-7.

NM_001114753.3(ENG):c.698CGGTGA[1] (p.233TV[1])

Gene: ENG (endoglin; minus strand). Cytogenetic location: 9q34.11.
Variant type: Microsatellite.
Coding change: c.698CGGTGA[1] on transcript NM_001114753.3 (MANE Select); one copy of the 6-base unit CGGTGA starting at c.698; the reference has two copies in a row; one copy, 6 bases deleted.
Protein change: p.233TV[1].
Molecular consequence: inframe deletion. On other transcripts: inframe indel (2).
Genome position (GRCh38, 1-based): chr9:127,825,338-127,825,343, TCACCG deleted on the plus strand (CGGTGA on the coding strand, the reverse complement: ENG is on the minus strand); deleting any 6 consecutive bases within chr9:127,825,338-127,825,351 gives the same sequence; the position shown is the placement nearest the transcript's 3' end. VCF-style (leftmost placement, unchanged base first): chr9-127825337-TTCACCG-T. GRCh37 (hg19) VCF-style: chr9-130587616-TTCACCG-T.
Other names: c.704_709del (NM_000118.3); c.696_701GACGGT[1], p.Thr235_Val236del (NM_000118.4, NM_001406715.1); c.152CGGTGA[1], p.51TV[1] (NM_001278138.2).
Identifiers: ClinVar variation 811377 (VCV000811377.18), dbSNP rs1588582060, ClinGen allele CA915947181.